The following is an entry in ClinVar:

NM_015338.6(ASXL1):c.1933G>C (p.Gly645Arg)

Gene: ASXL1 (ASXL transcriptional regulator 1; plus strand). Cytogenetic location: 20q11.21.
Variant type: single nucleotide variant.
Coding change: c.1933G>C on transcript NM_015338.6 (MANE Select); coding-DNA position 1933, G replaced by C.
Protein change: p.Gly645Arg; replaces glycine 645 with arginine.
Molecular consequence: missense variant.
Genome position (GRCh38, 1-based): chr20:32,434,645, G>C. VCF-style: chr20-32434645-G-C. GRCh37 (hg19) VCF-style: chr20-31022448-G-C.
Other names: c.1750G>C, p.Gly584Arg (NM_001363734.1); short protein forms G645R, G584R.
Identifiers: ClinVar variation 4159194 (VCV004159194.1).

ClinVar aggregate classification (germline): Uncertain significance (1 of 4 stars; one submission).

Conditions:
Inborn genetic diseases. Identifiers: MedGen C0950123, MeSH D030342.

gnomAD v4.1: 1 of 1,605,416 alleles (0.000062%); highest among the groups gnomAD compares: Non-Finnish European, 0.000085%; no homozygotes.

Submission:

Ambry Genetics
Classification: Uncertain significance for Inborn genetic diseases. Last evaluated: 2025-08-25. Review status: criteria provided, single submitter. Criteria: Ambry Variant Classification Scheme 2023. Collection method: clinical testing. Allele origin: germline.
Comment: The p.G645R variant (also known as c.1933G>C), located in coding exon 13 of the ASXL1 gene, results from a G to C substitution at nucleotide position 1933. The glycine at codon 645 is replaced by arginine, an amino acid with dissimilar properties. This amino acid position is conserved. In addition, the in silico prediction for this alteration is inconclusive. Based on the available evidence, the clinical significance of this variant remains unclear.